The following is an entry in ClinVar:

NM_032147.5(USP44):c.1087G>A (p.Gly363Ser)

Gene: USP44 (ubiquitin specific peptidase 44; minus strand). Cytogenetic location: 12q22.
Variant type: single nucleotide variant.
Coding change: c.1087G>A on transcript NM_032147.5 (MANE Select); coding-DNA position 1087, G replaced by A.
Protein change: p.Gly363Ser; replaces glycine 363 with serine.
Molecular consequence: missense variant. On other transcripts: non-coding transcript variant (6).
Genome position (GRCh38, 1-based): chr12:95,533,170, C>T on the plus strand (G>A on the coding strand, the complement: USP44 is on the minus strand). VCF-style: chr12-95533170-C-T. GRCh37 (hg19) VCF-style: chr12-95926946-C-T.
Other names: c.1087G>A, p.Gly363Ser (NM_001042403.3, NM_001278393.2, NM_001347936.2 and 1 more transcripts); short protein forms G363S.
Identifiers: ClinVar variation 715654 (VCV000715654.6), dbSNP rs61733460, ClinGen allele CA6725552.

ClinVar aggregate classification (germline): Benign. Review status: criteria provided, multiple submitters, no conflicts (2 of 4 stars). 3 submissions from 3 submitters: Benign (2). 1 of the submissions does not count toward it. Last evaluated 2018-12-26.

Conditions:
USP44-related disorder. Also called: USP44-related condition.

Allele frequency attached by ClinVar (database versions not stated): gnomAD exomes 0.00064 and 0.00174; ExAC 0.00227; 1000 Genomes Project 30x 0.00593; 1000 Genomes Project 0.00599; gnomAD 0.00663; ESP Exome Variant Server 0.00692; TOPMed 0.00772.
gnomAD v4.1: 2,070 of 1,614,146 alleles (0.13%); highest among the groups gnomAD compares: African/African-American, 2.4%; 25 homozygotes.

Submissions (3):

Labcorp Genetics (formerly Invitae), Labcorp
Classification: Benign. Last evaluated: 2018-12-26. Review status: criteria provided, single submitter. Criteria: Invitae Variant Classification Sherloc (09022015). Collection method: clinical testing. Allele origin: germline.

Breakthrough Genomics
Classification: Benign. Review status: criteria provided, single submitter. Criteria: ACMG Guidelines, 2015. Collection method: not provided. Allele origin: germline. Inheritance: Unknown mechanism. Affected: yes.

PreventionGenetics, part of Exact Sciences
Classification: Benign for USP44-related condition. Last evaluated: 2019-09-06. Review status: no assertion criteria provided. Collection method: clinical testing. Allele origin: germline. Not counted in ClinVar's aggregate classification.
Comment: This variant is classified as benign based on ACMG/AMP sequence variant interpretation guidelines (Richards et al. 2015 PMID: 25741868, with internal and published modifications).